The following is an entry in ClinVar:

ClinVar aggregate classification (germline): Pathogenic. Review status: reviewed by expert panel (3 of 4 stars). 2 submissions from 2 submitters: Pathogenic (1). 1 of the submissions does not count toward it. Last evaluated 2016-10-18.

Conditions:
Breast-ovarian cancer, familial, susceptibility to, 2 (BROVCA2). Also called: BRCA2 Hereditary Breast and Ovarian Cancer. Identifiers: Orphanet 145, MedGen C2675520, MONDO:0012933, OMIM 612555. Disease mechanism: loss of function.

Submissions (2):

Evidence-based Network for the Interpretation of Germline Mutant Alleles (ENIGMA)
Classification: Pathogenic for Breast-ovarian cancer, familial, susceptibility to, 2. Last evaluated: 2016-10-18. Review status: reviewed by expert panel. Criteria: ENIGMA BRCA1/2 Classification Criteria (2015). Collection method: curation. Allele origin: germline.
Comment: Variant allele predicted to encode a truncated non-functional protein.

Consortium of Investigators of Modifiers of BRCA1/2 (CIMBA), c/o University of Cambridge
Classification: Pathogenic for Breast-ovarian cancer, familial, susceptibility to, 2. Last evaluated: 2015-10-02. Review status: criteria provided, single submitter. Criteria: CIMBA Mutation Classification guidelines May 2016. Collection method: clinical testing. Allele origin: germline. Not counted in ClinVar's aggregate classification.

NM_000059.4(BRCA2):c.7187T>A (p.Leu2396Ter)

Gene: BRCA2 (BRCA2 DNA repair associated; plus strand). Cytogenetic location: 13q13.1.
Variant type: single nucleotide variant.
Coding change: c.7187T>A on transcript NM_000059.4 (MANE Select); coding-DNA position 7187, T replaced by A.
Protein change: p.Leu2396Ter; replaces leucine 2396 with a stop codon.
Molecular consequence: nonsense.
Genome position (GRCh38, 1-based): chr13:32,355,040, T>A. VCF-style: chr13-32355040-T-A. GRCh37 (hg19) VCF-style: chr13-32929177-T-A.
Other names: 7415T>A(L2396X); short protein forms L2396*.
Identifiers: ClinVar variation 266989 (VCV000266989.5), dbSNP rs876658803, ClinGen allele CA10589415.